The following is an entry in ClinVar:

ClinVar aggregate classification (germline): Uncertain significance. Review status: criteria provided, multiple submitters, no conflicts (2 of 4 stars). 5 submissions from 5 submitters: Uncertain significance (5). Last evaluated 2025-06-23.

Conditions:
Aplastic anemia. Identifiers: Orphanet 182040, Orphanet 88, MedGen C0002874, MONDO:0015909, OMIM 609135, HP:0001915.
Hereditary cancer-predisposing syndrome. Also called: Hereditary neoplastic syndrome; Neoplastic Syndromes, Hereditary; Tumor predisposition; Hereditary Cancer Syndrome. Identifiers: Orphanet 140162, MedGen C0027672, MeSH D009386, MONDO:0015356.
Microcephaly, normal intelligence and immunodeficiency (NBS). Also called: IMMUNODEFICIENCY, MICROCEPHALY, AND CHROMOSOMAL INSTABILITY; SEEMANOVA SYNDROME II; Immunodeficiency, microcephaly with normal intelligence; Ataxia telangiectasia variant V1; Nijmegen breakage syndrome; Microcephaly with normal intelligence immunodeficiency and lymphoreticular malignancies. Identifiers: Orphanet 647, MedGen C0398791, MONDO:0009623, OMIM 251260.

Allele frequency attached by ClinVar (database versions not stated): gnomAD exomes below 0.00001.
gnomAD v4.1: 1 of 1,608,538 alleles (0.000062%); highest among the groups gnomAD compares: Admixed American, 0.0017%; no homozygotes.

Submissions (5):

Labcorp Genetics (formerly Invitae), Labcorp
Classification: Uncertain significance for Microcephaly, normal intelligence and immunodeficiency. Last evaluated: 2025-06-23. Review status: criteria provided, single submitter. Criteria: Invitae Variant Classification Sherloc (09022015). Collection method: clinical testing. Allele origin: germline.
Comment: This sequence change replaces proline, which is neutral and non-polar, with threonine, which is neutral and polar, at codon 700 of the NBN protein (p.Pro700Thr). This variant is present in population databases (no rsID available, gnomAD 0.003%). This variant has not been reported in the literature in individuals affected with NBN-related conditions. ClinVar contains an entry for this variant (Variation ID: 411748). An algorithm developed to predict the effect of missense changes on protein structure and function (PolyPhen-2) suggests that this variant is likely to be disruptive. In summary, the available evidence is currently insufficient to determine the role of this variant in disease. Therefore, it has been classified as a Variant of Uncertain Significance.

Ambry Genetics
Classification: Uncertain significance for Hereditary cancer-predisposing syndrome. Last evaluated: 2024-05-05. Review status: criteria provided, single submitter. Criteria: Ambry Variant Classification Scheme 2023. Collection method: clinical testing. Allele origin: germline.
Comment: The p.P700T variant (also known as c.2098C>A), located in coding exon 14 of the NBN gene, results from a C to A substitution at nucleotide position 2098. The proline at codon 700 is replaced by threonine, an amino acid with highly similar properties. This amino acid position is highly conserved in available vertebrate species. In addition, this alteration is predicted to be deleterious by in silico analysis. Since supporting evidence is limited at this time, the clinical significance of this alteration remains unclear.

Baylor Genetics
Classification: Uncertain significance for Aplastic anemia. Last evaluated: 2024-01-08. Review status: criteria provided, single submitter. Criteria: ACMG Guidelines, 2015. Collection method: clinical testing. Allele origin: unknown.

Genome-Nilou Lab
Classification: Uncertain significance for Microcephaly, normal intelligence and immunodeficiency. Last evaluated: 2021-11-07. Review status: criteria provided, single submitter. Criteria: ACMG Guidelines, 2015. Collection method: clinical testing. Allele origin: germline. Affected: no.

Genetic Services Laboratory, University of Chicago
Classification: Uncertain significance. Last evaluated: 2020-09-28. Review status: criteria provided, single submitter. Criteria: ACMG Guidelines, 2015. Collection method: clinical testing. Allele origin: germline. Affected: no.
Comment: DNA sequence analysis of the NBN gene demonstrated a sequence change, c.2098C>A, in exon 14 that results in an amino acid change, p.Pro700Thr. This sequence change does not appear to have been previously described in patients with NBN-related disorders and has been described in the gnomAD database in one individual with an overall population frequency of 0.0004% (dbSNP rs1060503461). The p.Pro700Thr change affects a highly conserved amino acid residue located in a domain of the NBN protein that is known to be functional. The p.Pro700Thr substitution appears to be deleterious using several in-silico pathogenicity prediction tools (SIFT, PolyPhen2, Align GVGD, REVEL). Due to the lack of functional studies, the clinical significance of the p.Pro700Thr change remains unknown at this time.

NM_002485.5(NBN):c.2098C>A (p.Pro700Thr)

Gene: NBN (nibrin; minus strand). Cytogenetic location: 8q21.3.
Variant type: single nucleotide variant.
Coding change: c.2098C>A on transcript NM_002485.5 (MANE Select); coding-DNA position 2098, C replaced by A.
Protein change: p.Pro700Thr; replaces proline 700 with threonine.
Molecular consequence: missense variant.
Genome position (GRCh38, 1-based): chr8:89,943,339, G>T on the plus strand (C>A on the coding strand, the complement: NBN is on the minus strand). VCF-style: chr8-89943339-G-T. GRCh37 (hg19) VCF-style: chr8-90955567-G-T.
Other names: c.1852C>A, p.Pro618Thr (NM_001024688.3); short protein forms P700T, P618T.
Identifiers: ClinVar variation 411748 (VCV000411748.24), dbSNP rs1060503461, ClinGen allele CA16612356.